The following is an entry in ClinVar:

ClinVar aggregate classification (germline): Conflicting classifications of pathogenicity. Review status: criteria provided, conflicting classifications (1 of 4 stars). 3 submissions from 3 submitters: Uncertain significance (2); Likely benign (1). Last evaluated 2025-07-16.

Conditions:
Hereditary cancer-predisposing syndrome. Also called: Neoplastic Syndromes, Hereditary; Hereditary Cancer Syndrome; Tumor predisposition; Hereditary neoplastic syndrome. Identifiers: Orphanet 140162, MedGen C0027672, MeSH D009386, MONDO:0015356.
Rhabdoid tumor predisposition syndrome 2 (RTPS2). Identifiers: Orphanet 231108, Orphanet 69077, MedGen C2750074, MONDO:0013224, OMIM 613325.

Submissions (3):

Labcorp Genetics (formerly Invitae), Labcorp
Classification: Uncertain significance for Rhabdoid tumor predisposition syndrome 2. Last evaluated: 2025-07-16. Review status: criteria provided, single submitter. Criteria: Invitae Variant Classification Sherloc (09022015). Collection method: clinical testing. Allele origin: germline.
Comment: This variant, c.722_733dup, results in the insertion of 4 amino acid(s) of the SMARCA4 protein (p.Gly241_Pro244dup), but otherwise preserves the integrity of the reading frame. This variant is not present in population databases (gnomAD no frequency). This variant has not been reported in the literature in individuals affected with SMARCA4-related conditions. ClinVar contains an entry for this variant (Variation ID: 643768). Experimental studies and prediction algorithms are not available or were not evaluated, and the functional significance of this variant is currently unknown. In summary, the available evidence is currently insufficient to determine the role of this variant in disease. Therefore, it has been classified as a Variant of Uncertain Significance.

Ambry Genetics
Classification: Likely benign for Hereditary cancer-predisposing syndrome. Last evaluated: 2021-04-13. Review status: criteria provided, single submitter. Criteria: Ambry Variant Classification Scheme 2023. Collection method: clinical testing. Allele origin: germline.

CeGaT Center for Human Genetics Tuebingen
Classification: Uncertain significance. Last evaluated: 2017-12-01. Review status: criteria provided, single submitter. Criteria: CeGaT Center For Human Genetics Tuebingen Variant Classification Criteria Version 2. Collection method: clinical testing. Allele origin: germline. Affected: yes. Observed: 1 variant allele.

NM_003072.5(SMARCA4):c.722_733dup (p.229GP[10])

Gene: SMARCA4 (SWI/SNF related BAF chromatin remodeling complex subunit ATPase 4; plus strand). Cytogenetic location: 19p13.2.
Variant type: Duplication.
Coding change: c.722_733dup on transcript NM_003072.5 (MANE Select); coding-DNA positions 722 to 733, 12 bases duplicated (GTCCCGGCCCGG).
Protein change: p.229GP[10].
Molecular consequence: inframe insertion. On other transcripts: non-coding transcript variant (1).
Genome position (GRCh38, 1-based): chr19:10,986,555-10,986,566, GTCCCGGCCCGG duplicated; duplicating any 12 consecutive bases within chr19:10,986,545-10,986,566 gives the same sequence; the c. name uses the placement nearest the transcript's 3' end. VCF-style (leftmost placement, unchanged base first): chr19-10986544-C-CCCCGGCCCGGGT. GRCh37 (hg19) VCF-style: chr19-11097220-C-CCCCGGCCCGGGT.
Other names: c.722_733dupGTCCCGGCCCGG (NM_001128849.1); c.722_733dup, p.229GP[10] (NM_001128844.3, NM_001128845.2, NM_001128846.2 and 5 more transcripts).
Identifiers: ClinVar variation 643768 (VCV000643768.52), dbSNP rs568390760, ClinGen allele CA915952567.